The following is an entry in ClinVar:

ClinVar aggregate classification (germline): Uncertain significance. Review status: criteria provided, multiple submitters, no conflicts (2 of 4 stars). 2 submissions from 2 submitters: Uncertain significance (2). Last evaluated 2022-04-21.

Submissions (2):

Blueprint Genetics
Classification: Uncertain significance. Last evaluated: 2022-04-21. Review status: criteria provided, single submitter. Criteria: ACMG Guidelines, 2015. Collection method: clinical testing. Allele origin: germline.

GeneDx
Classification: Uncertain significance. Last evaluated: 2020-10-16. Review status: criteria provided, single submitter. Criteria: GeneDx Variant Classification Process June 2021. Collection method: clinical testing. Allele origin: germline. Affected: yes.
Comment: Has not been previously published as pathogenic or benign to our knowledge; Not observed in large population cohorts (Lek et al., 2016); In silico analysis supports that this missense variant has a deleterious effect on protein structure/function; Missense variants in this gene are often considered pathogenic (Stenson et al., 2014)

NM_030662.4(MAP2K2):c.250G>A (p.Gly84Arg)

Gene: MAP2K2 (mitogen-activated protein kinase kinase 2; minus strand). Cytogenetic location: 19p13.3.
Variant type: single nucleotide variant.
Coding change: c.250G>A on transcript NM_030662.4 (MANE Select); coding-DNA position 250, G replaced by A.
Protein change: p.Gly84Arg; replaces glycine 84 with arginine.
Molecular consequence: missense variant.
Genome position (GRCh38, 1-based): chr19:4,117,472, C>T on the plus strand (G>A on the coding strand, the complement: MAP2K2 is on the minus strand). VCF-style: chr19-4117472-C-T. GRCh37 (hg19) VCF-style: chr19-4117470-C-T.
Other names: short protein forms G84R.
Identifiers: ClinVar variation 1313314 (VCV001313314.3), dbSNP rs1006857816, ClinGen allele CA304456565.